The following is an entry in ClinVar:

NM_001037333.3(CYFIP2):c.2265+3A>G

Gene: CYFIP2 (cytoplasmic FMR1 interacting protein 2; plus strand). Cytogenetic location: 5q33.3.
Variant type: single nucleotide variant.
Coding change: c.2265+3A>G on transcript NM_001037333.3 (MANE Select); 3 bases into the intron after coding-DNA position 2265, A replaced by G.
Molecular consequence: intron variant.
Genome position (GRCh38, 1-based): chr5:157,330,853, A>G. VCF-style: chr5-157330853-A-G. GRCh37 (hg19) VCF-style: chr5-156757861-A-G.
Other names: c.2340+3A>G (NM_001291722.2, NM_001291722.1); c.2187+3A>G (NM_001291721.2); c.2265+3A>G (NM_014376.4).
Identifiers: ClinVar variation 3022142 (VCV003022142.4), dbSNP rs1296987840, ClinGen allele CA563680492.
Genomic context (GRCh38, chr5:157,330,853, plus strand): 5'-CATTCCGTATCCACCGTCCAATCGCTATGAAACACTGCTGAAGCAGAGACACGTCCAGGT[A>G]TGGGGAGCAGAAGCCACCTTGGAGATGGAAGGGGCAGGAGAGAGCAGCTGCGAAGTTAGC-3'

ClinVar aggregate classification (germline): Conflicting classifications of pathogenicity. Review status: criteria provided, conflicting classifications (1 of 4 stars). 2 submissions from 2 submitters: Uncertain significance (1); Benign (1). Last evaluated 2025-06-03.

Conditions:
CYFIP2-related disorder. Also called: CYFIP2-related condition.

Allele frequency attached by ClinVar (database versions not stated): TOPMed 0.00001; gnomAD exomes 0.00002.
gnomAD v4.1: 24 of 1,612,672 alleles (0.0015%); highest among the groups gnomAD compares: Non-Finnish European, 0.002%; no homozygotes.

Submissions (2):

PreventionGenetics, part of Exact Sciences
Classification: Uncertain significance for CYFIP2-related condition. Last evaluated: 2025-06-03. Review status: criteria provided, single submitter. Criteria: ACMG Guidelines, 2015. Collection method: clinical testing. Allele origin: germline.
Comment: The CYFIP2 c.2340+3A>G variant is predicted to interfere with splicing. This variant is predicted to alter splicing based on available splicing prediction programs (SpliceAI, Jaganathan et al. 2019. PubMed ID: 30661751). However, the use of computer prediction programs is not equivalent to functional evidence. To our knowledge, this variant has not been reported in the literature or in a large population database (gnomAD), indicating this variant is rare. At this time, the clinical significance of this variant is uncertain due to the absence of conclusive functional and genetic evidence.

Labcorp Genetics (formerly Invitae), Labcorp
Classification: Benign. Last evaluated: 2024-09-30. Review status: criteria provided, single submitter. Criteria: Invitae Variant Classification Sherloc (09022015). Collection method: clinical testing. Allele origin: germline.